The following is an entry in ClinVar:

NM_014762.4(DHCR24):c.*324T>C

Gene: DHCR24 (24-dehydrocholesterol reductase; minus strand). Cytogenetic location: 1p32.3.
Variant type: single nucleotide variant.
Coding change: c.*324T>C on transcript NM_014762.4 (MANE Select); 324 bases downstream of the stop codon, T replaced by C.
Molecular consequence: 3 prime UTR variant.
Genome position (GRCh38, 1-based): chr1:54,851,909, A>G on the plus strand (T>C on the coding strand, the complement: DHCR24 is on the minus strand). VCF-style: chr1-54851909-A-G. GRCh37 (hg19) VCF-style: chr1-55317582-A-G.
Identifiers: ClinVar variation 297645 (VCV000297645.6), dbSNP rs74072036, ClinGen allele CA10611260.

ClinVar aggregate classification (germline): Benign. Review status: criteria provided, multiple submitters, no conflicts (2 of 4 stars). 2 submissions from 2 submitters: Benign (2). Last evaluated 2018-01-13.

Conditions:
Desmosterolosis. Identifiers: Orphanet 35107, MedGen C1865596, MONDO:0011217, OMIM 602398.

Allele frequency attached by ClinVar (database versions not stated): 1000 Genomes Project 0.06550; 1000 Genomes Project 30x 0.06683; gnomAD 0.08108 and 0.08213; TOPMed 0.08745; gnomAD exomes 0.08287.
gnomAD v4.1: 31,553 of 384,716 alleles (8.2%); highest among the groups gnomAD compares: Admixed American, 12%; 1,505 homozygotes.

Submissions (2):

Illumina Laboratory Services, Illumina
Classification: Benign for Desmosterolosis. Last evaluated: 2018-01-13. Review status: criteria provided, single submitter. Criteria: ICSL Variant Classification Criteria 13 December 2019. Collection method: clinical testing. Allele origin: germline.
Comment: This variant was observed in the ICSL laboratory as part of a predisposition screen in an ostensibly healthy population. It had not been previously curated by ICSL or reported in the Human Gene Mutation Database (HGMD: prior to June 1st, 2018), and was therefore a candidate for classification through an automated scoring system. Utilizing variant allele frequency, disease prevalence and penetrance estimates, and inheritance mode, an automated score was calculated to assess if this variant is too frequent to cause the disease. Based on the score and internal cut-off values, a variant classified as benign is not then subjected to further curation. The score for this variant resulted in a classification of benign for this disease.

Breakthrough Genomics
Classification: Benign. Review status: criteria provided, single submitter. Criteria: ACMG Guidelines, 2015. Collection method: not provided. Allele origin: germline. Inheritance: Autosomal recessive inheritance. Affected: yes.